The following is an entry in ClinVar:

ClinVar aggregate classification (germline): Uncertain significance (1 of 4 stars; one submission).

Conditions:
Inborn genetic diseases. Identifiers: MedGen C0950123, MeSH D030342.

Submission:

Ambry Genetics
Classification: Uncertain significance for Inborn genetic diseases. Last evaluated: 2024-04-12. Review status: criteria provided, single submitter. Criteria: Ambry Variant Classification Scheme 2023. Collection method: clinical testing. Allele origin: germline.
Comment: The p.T2127S variant (also known as c.6379A>T), located in coding exon 38 of the ATR gene, results from an A to T substitution at nucleotide position 6379. The threonine at codon 2127 is replaced by serine, an amino acid with similar properties. This amino acid position is conserved. In addition, this alteration is predicted to be tolerated by in silico analysis. Based on the available evidence, the clinical significance of this variant remains unclear.

NM_001184.4(ATR):c.6379A>T (p.Thr2127Ser)

Gene: ATR (ATR serine/threonine kinase; minus strand). Cytogenetic location: 3q23.
Variant type: single nucleotide variant.
Coding change: c.6379A>T on transcript NM_001184.4 (MANE Select); coding-DNA position 6379, A replaced by T.
Protein change: p.Thr2127Ser; replaces threonine 2127 with serine.
Molecular consequence: missense variant.
Genome position (GRCh38, 1-based): chr3:142,469,510, T>A on the plus strand (A>T on the coding strand, the complement: ATR is on the minus strand). VCF-style: chr3-142469510-T-A. GRCh37 (hg19) VCF-style: chr3-142188352-T-A.
Other names: c.6187A>T, p.Thr2063Ser (NM_001354579.2); short protein forms T2127S, T2063S.
Identifiers: ClinVar variation 3331554 (VCV003331554.1).